The following is an entry in ClinVar:

NM_001042432.2(CLN3):c.313A>T (p.Ile105Phe)

Gene: CLN3 (CLN3 lysosomal/endosomal transmembrane protein, battenin; minus strand). Cytogenetic location: 16p12.1.
Variant type: single nucleotide variant.
Coding change: c.313A>T on transcript NM_001042432.2 (MANE Select); coding-DNA position 313, A replaced by T.
Protein change: p.Ile105Phe; replaces isoleucine 105 with phenylalanine.
Molecular consequence: missense variant. On other transcripts: intron variant (1).
Genome position (GRCh38, 1-based): chr16:28,487,723, T>A on the plus strand (A>T on the coding strand, the complement: CLN3 is on the minus strand). VCF-style: chr16-28487723-T-A. GRCh37 (hg19) VCF-style: chr16-28499044-T-A.
Other names: c.313A>T, p.Ile105Phe (NM_000086.2); c.241A>T, p.Ile81Phe (NM_001286104.2); c.79A>T, p.Ile27Phe (NM_001286109.2); c.151A>T, p.Ile51Phe (NM_001286110.2); c.75-182A>T (NM_001286105.2); short protein forms I105F, I27F, I51F, I81F.
Identifiers: ClinVar variation 2080571 (VCV002080571.4), dbSNP rs11552531, ClinGen allele CA395346128.

ClinVar aggregate classification (germline): Uncertain significance (1 of 4 stars; one submission).

Conditions:
Neuronal ceroid lipofuscinosis. Also called: Neuronal Ceroid Lipofuscinoses. Identifiers: Orphanet 216, Orphanet 79263, MedGen C0027877, MONDO:0016295. Disease mechanism: loss of function.

gnomAD v4.1: 3 of 1,613,538 alleles (0.00019%); highest among the groups gnomAD compares: Non-Finnish European, 0.00025%; no homozygotes.

Submission:

Labcorp Genetics (formerly Invitae), Labcorp
Classification: Uncertain significance for Neuronal ceroid lipofuscinosis. Last evaluated: 2022-08-09. Review status: criteria provided, single submitter. Criteria: Invitae Variant Classification Sherloc (09022015). Collection method: clinical testing. Allele origin: germline.
Comment: In summary, the available evidence is currently insufficient to determine the role of this variant in disease. Therefore, it has been classified as a Variant of Uncertain Significance. Algorithms developed to predict the effect of missense changes on protein structure and function are either unavailable or do not agree on the potential impact of this missense change (SIFT: "Deleterious"; PolyPhen-2: "Probably Damaging"; Align-GVGD: "Class C0"). This variant has not been reported in the literature in individuals affected with CLN3-related conditions. This variant is not present in population databases (gnomAD no frequency). This sequence change replaces isoleucine, which is neutral and non-polar, with phenylalanine, which is neutral and non-polar, at codon 105 of the CLN3 protein (p.Ile105Phe).